The following is an entry in ClinVar:

NM_003922.4(HERC1):c.10546+3A>G

Gene: HERC1 (HECT and RLD domain containing E3 ubiquitin protein ligase family member 1; minus strand). Cytogenetic location: 15q22.31.
Variant type: single nucleotide variant.
Coding change: c.10546+3A>G on transcript NM_003922.4 (MANE Select); 3 bases into the intron after coding-DNA position 10546, A replaced by G.
Molecular consequence: intron variant.
Genome position (GRCh38, 1-based): chr15:63,651,250, T>C on the plus strand (A>G on the coding strand, the complement: HERC1 is on the minus strand). VCF-style: chr15-63651250-T-C. GRCh37 (hg19) VCF-style: chr15-63943449-T-C.
Identifiers: ClinVar variation 2413308 (VCV002413308.6), dbSNP rs779769973, ClinGen allele CA7604444.

ClinVar aggregate classification (germline): Uncertain significance (1 of 4 stars; one submission).

Allele frequency attached by ClinVar (database versions not stated): gnomAD exomes 0.00001; ExAC 0.00002.
gnomAD v4.1: 17 of 1,613,704 alleles (0.0011%); highest among the groups gnomAD compares: South Asian, 0.0088%; no homozygotes.

Submission:

Labcorp Genetics (formerly Invitae), Labcorp
Classification: Uncertain significance. Last evaluated: 2022-07-19. Review status: criteria provided, single submitter. Criteria: Invitae Variant Classification Sherloc (09022015). Collection method: clinical testing. Allele origin: germline.
Comment: In summary, the available evidence is currently insufficient to determine the role of this variant in disease. Therefore, it has been classified as a Variant of Uncertain Significance. Variants that disrupt the consensus splice site are a relatively common cause of aberrant splicing (PMID: 17576681, 9536098). Algorithms developed to predict the effect of sequence changes on RNA splicing suggest that this variant may create or strengthen a splice site. This variant has not been reported in the literature in individuals affected with HERC1-related conditions. This variant is present in population databases (rs779769973, gnomAD 0.003%). This sequence change falls in intron 53 of the HERC1 gene. It does not directly change the encoded amino acid sequence of the HERC1 protein. It affects a nucleotide within the consensus splice site.

Literature cited by the submitters: PubMed 17576681; PubMed 9536098.